The following is an entry in ClinVar:

ClinVar aggregate classification (germline): Uncertain significance (1 of 4 stars; one submission).

Allele frequency attached by ClinVar (database versions not stated): gnomAD exomes below 0.00001 and 0.00001; gnomAD 0.00003 and 0.00004; TOPMed 0.00007.
gnomAD v4.1: 11 of 1,613,932 alleles (0.00068%); highest among the groups gnomAD compares: Admixed American, 0.01%; no homozygotes.

Submission:

Greenwood Genetic Center Diagnostic Laboratories, Greenwood Genetic Center
Classification: Uncertain significance. Last evaluated: 2021-03-12. Review status: criteria provided, single submitter. Criteria: ACMG Guidelines, 2015. Collection method: clinical testing. Allele origin: germline. Affected: yes.
Comment: PP3 PP4 PM2

NM_000387.6(SLC25A20):c.160G>T (p.Gly54Trp)

Gene: SLC25A20 (solute carrier family 25 member 20; minus strand). Cytogenetic location: 3p21.31.
Variant type: single nucleotide variant.
Coding change: c.160G>T on transcript NM_000387.6 (MANE Select); coding-DNA position 160, G replaced by T.
Protein change: p.Gly54Trp; replaces glycine 54 with tryptophan.
Molecular consequence: missense variant.
Genome position (GRCh38, 1-based): chr3:48,892,018, C>A on the plus strand (G>T on the coding strand, the complement: SLC25A20 is on the minus strand). VCF-style: chr3-48892018-C-A. GRCh37 (hg19) VCF-style: chr3-48929451-C-A.
Other names: short protein forms G54W.
Identifiers: ClinVar variation 1331615 (VCV001331615.4), dbSNP rs1035610382, ClinGen allele CA73998478.